The following is an entry in ClinVar:

NM_003114.5(SPAG1):c.1057_1059delinsGAAGAC (p.Lys353delinsGluAsp)

Gene: SPAG1 (sperm associated antigen 1; plus strand). Cytogenetic location: 8q22.2.
Variant type: Indel.
Coding change: c.1057_1059delinsGAAGAC on transcript NM_003114.5 (MANE Select); coding-DNA positions 1057 to 1059, AAA replaced by GAAGAC.
Protein change: p.Lys353delinsGluAsp.
Molecular consequence: inframe indel.
Genome position (GRCh38, 1-based): chr8:100,194,229-100,194,231, AAA replaced by GAAGAC. VCF-style: chr8-100194229-AAA-GAAGAC. GRCh37 (hg19) VCF-style: chr8-101206457-AAA-GAAGAC.
Other names: c.1057_1059delinsGAAGAC, p.Lys353delinsGluAsp (NM_001374321.1, NM_172218.3).
Identifiers: ClinVar variation 4864971 (VCV004864971.1).

ClinVar aggregate classification (germline): Uncertain significance (1 of 4 stars; one submission).

Conditions:
Primary ciliary dyskinesia. Also called: Ciliary dyskinesia. Identifiers: Orphanet 244, MedGen C0008780, MONDO:0016575, HP:0012265.

Submission:

Ambry Genetics
Classification: Uncertain significance for Primary ciliary dyskinesia. Last evaluated: 2026-06-03. Review status: criteria provided, single submitter. Criteria: Ambry Variant Classification Scheme 2023. Collection method: clinical testing. Allele origin: germline.
Comment: The c.1057_1059delAAAinsGAAGAC variant, located in coding exon 9 of the SPAG1 gene, results from an in-frame deletion of AAA and insertion of GAAGAC at nucleotide positions 1057 to 1059. This results in the substitution of the lysine residue for two amino acids (ED) at codon 353. This amino acid position is not well conserved in available vertebrate species. In addition, this variant is predicted to be neutral by in silico analysis (Choi Y et al. PLoS ONE. 2012; 7(10):e46688). Based on the available evidence, the clinical significance of this variant remains unclear.